The following is an entry in ClinVar:

ClinVar aggregate classification (germline): Uncertain significance (1 of 4 stars; one submission).

gnomAD v4.1: 7 of 1,610,298 alleles (0.00043%); highest among the groups gnomAD compares: Admixed American, 0.0017%; no homozygotes.

Submission:

Labcorp Genetics (formerly Invitae), Labcorp
Classification: Uncertain significance. Last evaluated: 2023-01-13. Review status: criteria provided, single submitter. Criteria: Invitae Variant Classification Sherloc (09022015). Collection method: clinical testing. Allele origin: germline.
Comment: The frequency data for this variant in the population databases is considered unreliable, as metrics indicate poor data quality at this position in the gnomAD database. In summary, the available evidence is currently insufficient to determine the role of this variant in disease. Therefore, it has been classified as a Variant of Uncertain Significance. Algorithms developed to predict the effect of missense changes on protein structure and function (SIFT, PolyPhen-2, Align-GVGD) all suggest that this variant is likely to be tolerated. This variant has not been reported in the literature in individuals affected with ERBB2-related conditions. This sequence change replaces aspartic acid, which is acidic and polar, with asparagine, which is neutral and polar, at codon 1084 of the ERBB2 protein (p.Asp1084Asn).

NM_004448.4(ERBB2):c.3250G>A (p.Asp1084Asn)

Gene: ERBB2 (erb-b2 receptor tyrosine kinase 2; plus strand). Cytogenetic location: 17q12.
Variant type: single nucleotide variant.
Coding change: c.3250G>A on transcript NM_004448.4 (MANE Select); coding-DNA position 3250, G replaced by A.
Protein change: p.Asp1084Asn; replaces aspartic acid 1084 with asparagine.
Molecular consequence: missense variant. On other transcripts: non-coding transcript variant (1), intron variant (2).
Genome position (GRCh38, 1-based): chr17:39,727,385, G>A. VCF-style: chr17-39727385-G-A. GRCh37 (hg19) VCF-style: chr17-37883638-G-A.
Other names: c.3160G>A, p.Asp1054Asn (NM_001005862.3, NM_001382782.1, NM_001382783.1); c.3205G>A, p.Asp1069Asn (NM_001289936.2); c.3367G>A, p.Asp1123Asn (NM_001382784.1); c.3352G>A, p.Asp1118Asn (NM_001382785.1); c.3331G>A, p.Asp1111Asn (NM_001382786.1); c.3325G>A, p.Asp1109Asn (NM_001382787.1); c.3280G>A, p.Asp1094Asn (NM_001382788.1); c.3271G>A, p.Asp1091Asn (NM_001382789.1); and 17 more; short protein forms D1032N, D1051N, D1069N, D1083N, D1111N, D1118N, D738N, D1022N.
Identifiers: ClinVar variation 2890516 (VCV002890516.3), dbSNP rs200796676, ClinGen allele CA8534509.